The following is an entry in ClinVar:

ClinVar aggregate classification (germline): Uncertain significance (1 of 4 stars; one submission).

Submission:

Ambry Genetics
Classification: Uncertain significance. Last evaluated: 2025-12-07. Review status: criteria provided, single submitter. Criteria: Ambry Variant Classification Scheme 2023. Collection method: clinical testing. Allele origin: germline.
Comment: The p.S539R variant (also known as c.1615A>C), located in coding exon 10 of the MYOM1 gene, results from an A to C substitution at nucleotide position 1615. The serine at codon 539 is replaced by arginine, an amino acid with dissimilar properties. This amino acid position is conserved. In addition, this alteration is predicted to be tolerated by in silico analysis. Based on the available evidence, the clinical significance of this variant remains unclear.

NM_003803.4(MYOM1):c.1615A>C (p.Ser539Arg)

Gene: MYOM1 (myomesin 1; minus strand). Cytogenetic location: 18p11.31.
Variant type: single nucleotide variant.
Coding change: c.1615A>C on transcript NM_003803.4 (MANE Select); coding-DNA position 1615, A replaced by C.
Protein change: p.Ser539Arg; replaces serine 539 with arginine.
Molecular consequence: missense variant.
Genome position (GRCh38, 1-based): chr18:3,154,975, T>G on the plus strand (A>C on the coding strand, the complement: MYOM1 is on the minus strand). VCF-style: chr18-3154975-T-G. GRCh37 (hg19) VCF-style: chr18-3154973-T-G.
Other names: c.1615A>C, p.Ser539Arg (NM_019856.2); short protein forms S539R.
Identifiers: ClinVar variation 4555388 (VCV004555388.1).
Genomic context (GRCh38, chr18:3,154,975, plus strand): 5'-TAACTGTAATTGATGTTAGCCTAAGCACTAACTTATCAATAAAATATCCGAGAATAGGAC[T>G]CCCTCCATCGACAGCTGGCTGTTTCCAGGAGATGATGATATAATCTTTGTTGGCCTCCAA-3'
Protein context (NP_003794.3, residues 529-549): SWKQPAVDGG[Ser539Arg]PILGYFIDKC